The following is an entry in ClinVar:

NM_001042492.3(NF1):c.1680del (p.Leu560fs)

Gene: NF1 (neurofibromin 1; plus strand). Cytogenetic location: 17q11.2.
Variant type: Deletion.
Coding change: c.1680del on transcript NM_001042492.3 (MANE Select); coding-DNA position 1680, one base deleted (G; older notation c.1680delG).
Protein change: p.Leu560fs; shifts the reading frame from leucine 560.
Molecular consequence: frameshift variant.
Genome position (GRCh38, 1-based): chr17:31,221,888, G deleted. VCF-style (leftmost placement, unchanged base first): chr17-31221887-TG-T. GRCh37 (hg19) VCF-style: chr17-29548905-TG-T.
Other names: c.1680delG (NM_000267.3); c.1680delG, p.Leu560Phefs (NM_000267.4); c.1680del, p.Leu560fs (NM_001128147.3); short protein forms L560fs.
Identifiers: ClinVar variation 582154 (VCV000582154.7), dbSNP rs1567845069, ClinGen allele CA891844355.

ClinVar aggregate classification (germline): Pathogenic (1 of 4 stars; one submission).

Conditions:
Neurofibromatosis, type 1 (NF1). Also called: Peripheral type neurofibromatosis; VON RECKLINGHAUSEN DISEASE; NEUROFIBROMATOSIS, TYPE I, SOMATIC; Neurofibromatosis, type I. Identifiers: Orphanet 636, MedGen C0027831, MONDO:0018975, OMIM 162200. Disease mechanism: loss of function.

Submission:

Labcorp Genetics (formerly Invitae), Labcorp
Classification: Pathogenic for Neurofibromatosis, type 1. Last evaluated: 2019-05-15. Review status: criteria provided, single submitter. Criteria: Invitae Variant Classification Sherloc (09022015). Collection method: clinical testing. Allele origin: germline.
Comment: Loss-of-function variants in NF1 are known to be pathogenic (PMID: 10712197, 23913538). This variant has not been reported in the literature in individuals with NF1-related conditions. ClinVar contains an entry for this variant (Variation ID: 582154). This variant is not present in population databases (ExAC no frequency). This sequence change creates a premature translational stop signal (p.Leu560Phefs*8) in the NF1 gene. It is expected to result in an absent or disrupted protein product. For these reasons, this variant has been classified as Pathogenic.

Literature cited by the submitters: PubMed 10712197; PubMed 23913538.